The following is an entry in ClinVar:

NM_024678.6(NARS2):c.594+3_594+6del

Gene: NARS2 (asparaginyl-tRNA synthetase 2, mitochondrial; minus strand). Cytogenetic location: 11q14.1.
Variant type: Microsatellite.
Coding change: c.594+3_594+6del on transcript NM_024678.6 (MANE Select); bases 3 to 6 of the intron after coding-DNA position 594, 4 bases deleted (AAGT; older notation c.594+3_594+6delAAGT).
Molecular consequence: splice donor variant. On other transcripts: intron variant (2).
Genome position (GRCh38, 1-based): chr11:78,559,533-78,559,536, ACTT deleted on the plus strand (AAGT on the coding strand, the reverse complement: NARS2 is on the minus strand); deleting any 4 consecutive bases within chr11:78,559,533-78,559,540 gives the same sequence; the c. name uses the placement nearest the transcript's 3' end. VCF-style (leftmost placement, unchanged base first): chr11-78559532-AACTT-A. GRCh37 (hg19) VCF-style: chr11-78270578-AACTT-A.
Other names: c.-88+3_-88+6del (NM_001425314.1, NM_001243251.2, NM_001425310.1 and 1 more transcripts); c.-160+3_-160+6del (NM_001425312.1); c.363+3_363+6del (NM_001425308.1); c.513+6596_513+6599del (NM_001425303.1, NM_001425302.1); c.594+3_594+6del (NM_001425307.1, NM_001425309.1, NM_001425306.1 and 5 more transcripts); c.38+3_38+6del (NM_001425311.1).
Identifiers: ClinVar variation 3602229 (VCV003602229.1).

ClinVar aggregate classification (germline): Uncertain significance (1 of 4 stars; one submission).

Submission:

GeneDx
Classification: Uncertain significance. Last evaluated: 2024-08-02. Review status: criteria provided, single submitter. Criteria: GeneDx Variant Classification Process June 2021. Collection method: clinical testing. Allele origin: germline. Affected: yes.
Comment: Not observed at significant frequency in large population cohorts (gnomAD); Intronic +5 splice site variant in a gene for which loss of function is a known mechanism of disease, and both splice predictors and evolutionary conservation support a deleterious effect, although in the absence of functional evidence the actual effect of this sequence change is unknown.; Has not been previously published as pathogenic or benign to our knowledge